The following is an entry in ClinVar:

NM_004706.4(ARHGEF1):c.1652G>A (p.Arg551His)

Gene: ARHGEF1 (Rho guanine nucleotide exchange factor 1; plus strand). Cytogenetic location: 19q13.2.
Variant type: single nucleotide variant.
Coding change: c.1652G>A on transcript NM_004706.4 (MANE Select); coding-DNA position 1652, G replaced by A.
Protein change: p.Arg551His; replaces arginine 551 with histidine.
Molecular consequence: missense variant. On other transcripts: non-coding transcript variant (2).
Genome position (GRCh38, 1-based): chr19:41,902,812, G>A. VCF-style: chr19-41902812-G-A. GRCh37 (hg19) VCF-style: chr19-42406962-G-A.
Other names: c.1820G>A, p.Arg607His (NM_001396000.1); c.1553G>A, p.Arg518His (NM_001396002.1, NM_001396004.1, NM_198977.2); c.1652G>A, p.Arg551His (NM_001396003.1, NM_001396006.1); c.1697G>A, p.Arg566His (NM_199002.2); short protein forms R551H, R518H, R566H, R607H.
Identifiers: ClinVar variation 3632304 (VCV003632304.2).

ClinVar aggregate classification (germline): Uncertain significance (1 of 4 stars; one submission).

gnomAD v4.1: 1 of 1,613,054 alleles (0.000062%); highest among the groups gnomAD compares: Non-Finnish European, 0.000085%; no homozygotes.

Submission:

Labcorp Genetics (formerly Invitae), Labcorp
Classification: Uncertain significance. Last evaluated: 2024-09-21. Review status: criteria provided, single submitter. Criteria: Invitae Variant Classification Sherloc (09022015). Collection method: clinical testing. Allele origin: germline.
Comment: This sequence change replaces arginine, which is basic and polar, with histidine, which is basic and polar, at codon 566 of the ARHGEF1 protein (p.Arg566His). This variant is not present in population databases (gnomAD no frequency). This variant has not been reported in the literature in individuals affected with ARHGEF1-related conditions. An algorithm developed to predict the effect of missense changes on protein structure and function (PolyPhen-2) suggests that this variant is likely to be disruptive. In summary, the available evidence is currently insufficient to determine the role of this variant in disease. Therefore, it has been classified as a Variant of Uncertain Significance.